The following is an entry in ClinVar:

NM_018972.4(GDAP1):c.579+1G>A

Gene: GDAP1 (ganglioside induced differentiation associated protein 1; plus strand). Cytogenetic location: 8q21.11.
Variant type: single nucleotide variant.
Coding change: c.579+1G>A on transcript NM_018972.4 (MANE Select); the canonical splice donor site of the intron after coding-DNA position 579, G replaced by A.
Molecular consequence: splice donor variant.
Genome position (GRCh38, 1-based): chr8:74,361,979, G>A. VCF-style: chr8-74361979-G-A. GRCh37 (hg19) VCF-style: chr8-75274214-G-A.
Other names: IVS4DS, G-A, +1; c.579+1G>A (NM_001362931.2); c.405+1G>A (NM_001362930.2); c.252+1G>A (NM_001362929.2, NM_001362932.2); c.375+1G>A (NM_001040875.4).
Identifiers: ClinVar variation 220379 (VCV000220379.20), dbSNP rs864622501, ClinGen allele CA349140.
Genomic context (GRCh38, chr8:74,361,979, plus strand): 5'-CTTGCTGAAGAAAACCCAGATTTACAAGAAGCATACATTGCAAAACAGAAACGACTTAAA[G>A]TAAGCCAATCAGCTGTCCTCAGTTGACATACACTGCACGGAGTAAATGTTCTACTTTTTG-3'

ClinVar aggregate classification (germline): Pathogenic. Review status: criteria provided, multiple submitters, no conflicts (2 of 4 stars). 9 submissions from 9 submitters: Pathogenic (4). 5 of the submissions do not count toward it. Last evaluated 2026-05-06.

Conditions:
GDAP1-related disorder. Also called: GDAP1-related condition; GDAP1-related disorders.
Charcot-Marie-Tooth disease. Also called: Charcot-Marie-Tooth Hereditary Neuropathy; Charcot-Marie-Tooth Neuropathy. Identifiers: Orphanet 166, MedGen C0007959, MONDO:0015626.
Charcot-Marie-Tooth disease type 4A. Also called: Charcot-Marie-Tooth disease, demyelinating, autosomal recessive, type 4a. Identifiers: Orphanet 99948, MedGen C1859198, MONDO:0008961, OMIM 214400.
Charcot-Marie-Tooth disease axonal type 2K (CMT2K). Also called: CHARCOT-MARIE-TOOTH DISEASE, AXONAL, AUTOSOMAL RECESSIVE, TYPE 2K; CHARCOT-MARIE-TOOTH NEUROPATHY, AXONAL, TYPE 2K; Charcot-Marie-Tooth disease type 2K. Identifiers: Orphanet 101097, Orphanet 99944, MedGen C1842983, MONDO:0011916, OMIM 607831.
Charcot-Marie-Tooth disease recessive intermediate A (CMTRIA). Also called: CHARCOT-MARIE-TOOTH NEUROPATHY, RECESSIVE INTERMEDIATE A. Identifiers: Orphanet 217055, MedGen C1842197, MONDO:0012014, OMIM 608340.

Allele frequency attached by ClinVar (database versions not stated): gnomAD exomes below 0.00001 and 0.00001; TOPMed 0.00001.
gnomAD v4.1: 8 of 1,541,184 alleles (0.00052%); highest among the groups gnomAD compares: Non-Finnish European, 0.00072%; no homozygotes.

Submissions (9):

PreventionGenetics, part of Exact Sciences
Classification: Pathogenic for GDAP1-related condition. Last evaluated: 2026-05-06. Review status: criteria provided, single submitter. Criteria: ACMG Guidelines, 2015. Collection method: clinical testing. Allele origin: germline.
Comment: The GDAP1 c.579+1G>A variant is predicted to disrupt the GT donor site and interfere with normal splicing. This variant has been reported in the homozygous state in an individual with Charcot-Marie-Tooth disease (Senderek et al. 2003. PubMed ID: 12566285). This variant is reported in 0.00088% of alleles in individuals of European (non-Finnish) descent in gnomAD. Variants that disrupt the consensus splice donor site in GDAP1 are expected to be pathogenic. This variant is interpreted as pathogenic for autosomal recessive GDAP1-related disorders.

Labcorp Genetics (formerly Invitae), Labcorp
Classification: Pathogenic for Charcot-Marie-Tooth disease type 4A. Last evaluated: 2022-12-12. Review status: criteria provided, single submitter. Criteria: Invitae Variant Classification Sherloc (09022015). Collection method: clinical testing. Allele origin: germline.
Comment: This variant is present in population databases (no rsID available, gnomAD 0.0009%). This sequence change affects a donor splice site in intron 4 of the GDAP1 gene. It is expected to disrupt RNA splicing. Variants that disrupt the donor or acceptor splice site typically lead to a loss of protein function (PMID: 16199547), and loss-of-function variants in GDAP1 are known to be pathogenic (PMID: 11743580). Disruption of this splice site has been observed in individuals with autosomal recessive Charcot-Marie-Tooth disease type 4A (PMID: 12566285). For these reasons, this variant has been classified as Pathogenic. Algorithms developed to predict the effect of sequence changes on RNA splicing suggest that this variant may disrupt the consensus splice site. ClinVar contains an entry for this variant (Variation ID: 220379).

MGZ Medical Genetics Center
Classification: Pathogenic for Charcot-Marie-Tooth disease axonal type 2K. Last evaluated: 2022-03-22. Review status: criteria provided, single submitter. Criteria: ACMG Guidelines, 2015. Collection method: clinical testing. Allele origin: germline. Affected: yes. Observed: 1 variant allele.
Comment: ACMG criteria applied: PVS1, PM2_SUP, PM3_SUP

Molecular Genetics Laboratory, London Health Sciences Centre
Classification: Pathogenic for Charcot-Marie-Tooth disease. Review status: criteria provided, single submitter. Criteria: ACMG Guidelines, 2015. Collection method: clinical testing. Allele origin: germline. Affected: yes.

Inherited Neuropathy Consortium Ii, University Of Miami
Classification: Uncertain significance for Charcot-Marie-Tooth disease axonal type 2K. Last evaluated: 2016-01-06. Review status: no assertion criteria provided. Collection method: literature only. Allele origin: germline. Affected: yes. Not counted in ClinVar's aggregate classification.

OMIM
Classification: Pathogenic for CHARCOT-MARIE-TOOTH DISEASE, RECESSIVE INTERMEDIATE A. Last evaluated: 2003-03-01. Review status: no assertion criteria provided. Collection method: literature only. Allele origin: germline. Not counted in ClinVar's aggregate classification.

Clinical Genetics, Academic Medical Center
Classification: Pathogenic. Review status: no assertion criteria provided. Collection method: clinical testing. Allele origin: germline. Affected: yes. Study: VKGL Data-share Consensus. Not counted in ClinVar's aggregate classification.

Genome Diagnostics Laboratory, Amsterdam University Medical Center
Classification: Pathogenic. Review status: no assertion criteria provided. Collection method: clinical testing. Allele origin: germline. Affected: yes. Study: VKGL Data-share Consensus. Not counted in ClinVar's aggregate classification.

Inherited Neuropathy Consortium
Classification: Uncertain significance for Charcot-Marie-Tooth disease. Review status: no assertion criteria provided. Collection method: literature only. Allele origin: germline. Affected: yes. Not counted in ClinVar's aggregate classification.

Literature cited by the submitters: PubMed 16199547 (cited by Labcorp Genetics (formerly Invitae), Labcorp); PubMed 11743580 (cited by Labcorp Genetics (formerly Invitae), Labcorp); PubMed 12566285 (cited by 4 submitters).